The following is an entry in ClinVar:

NM_002474.3(MYH11):c.4822G>A (p.Glu1608Lys)

Genes: NDE1 (nudE neurodevelopment protein 1; plus strand), MYH11 (myosin heavy chain 11; minus strand). Cytogenetic location: 16p13.11.
Variant type: single nucleotide variant.
Coding change: c.4822G>A on transcript NM_002474.3 (MANE Select); coding-DNA position 4822, G replaced by A.
Protein change: p.Glu1608Lys; replaces glutamic acid 1608 with lysine.
Molecular consequence: missense variant. On other transcripts: intron variant (2).
Genome position (GRCh38, 1-based): chr16:15,720,282, C>T on the plus strand (G>A on the coding strand, the complement: MYH11 is on the minus strand). VCF-style: chr16-15720282-C-T. GRCh37 (hg19) VCF-style: chr16-15814139-C-T.
Other names: c.4843G>A, p.Glu1615Lys (NM_001040113.2, NM_001040114.2); c.4822G>A, p.Glu1608Lys (NM_022844.3); c.948-3909C>T (NM_001143979.2, NM_017668.3); short protein forms E1608K, E1615K.
Identifiers: ClinVar variation 700036 (VCV000700036.20), dbSNP rs777768672, ClinGen allele CA7921528.
Genomic context (GRCh38, chr16:15,720,282, plus strand): 5'-CTTTCAGGTCCCCTTCCAGCTTCTTCTTTGCTGCAGCTGCCAGGGCACGTTGCTTTCGCT[C>T]GTCTTCCAGTTCCGTCTCATACTCGTGAAGCTGGGCGAGGAATAGAGATGTGTGCTGCCC-3'
Protein context (NP_002465.1, residues 1598-1618): LHEYETELED[Glu1608Lys]RKQRALAAAA

ClinVar aggregate classification (germline): Conflicting classifications of pathogenicity. Review status: criteria provided, conflicting classifications (1 of 4 stars). 4 submissions from 4 submitters: Uncertain significance (3); Likely benign (1). Last evaluated 2025-12-15.

Conditions:
Familial thoracic aortic aneurysm and aortic dissection (TAAD). Also called: Thoracic aortic aneurysms and dissections. Identifiers: Orphanet 91387, MedGen C4707243, MONDO:0019625.
Aortic aneurysm, familial thoracic 4 (AAT4). Also called: AORTIC ANEURYSM/AORTIC DISSECTION AND PATENT DUCTUS ARTERIOSUS. Identifiers: MedGen C1851504, MONDO:0007568, OMIM 132900.

Allele frequency attached by ClinVar (database versions not stated): TOPMed 0.00003; gnomAD exomes 0.00013; ExAC 0.00020.
gnomAD v4.1: 41 of 1,614,074 alleles (0.0025%); highest among the groups gnomAD compares: Admixed American, 0.055%; 1 homozygote.

Submissions (4):

Labcorp Genetics (formerly Invitae), Labcorp
Classification: Likely benign for Aortic aneurysm, familial thoracic 4. Last evaluated: 2025-12-15. Review status: criteria provided, single submitter. Criteria: Invitae Variant Classification Sherloc (09022015). Collection method: clinical testing. Allele origin: germline.

GeneDx
Classification: Uncertain significance. Last evaluated: 2024-07-31. Review status: criteria provided, single submitter. Criteria: GeneDx Variant Classification Process June 2021. Collection method: clinical testing. Allele origin: germline. Affected: yes.
Comment: Has not been previously published as pathogenic or benign to our knowledge; In silico analysis supports that this missense variant has a deleterious effect on protein structure/function

Color Diagnostics, LLC DBA Color Health
Classification: Uncertain significance for Familial thoracic aortic aneurysm and aortic dissection. Last evaluated: 2024-03-11. Review status: criteria provided, single submitter. Criteria: ACMG Guidelines, 2015. Collection method: clinical testing. Allele origin: germline.
Comment: This missense variant replaces glutamic acid with lysine at codon 1615 of the MYH11 protein. Computational prediction tools indicate that this variant has a deleterious impact on protein structure and function. To our knowledge, functional studies have not been reported for this variant. This variant has been reported in one individual affected with sporadic Stanford type A aortic dissection (PMID: 34422331). This variant has been identified in 32/251274 chromosomes in the general population by the Genome Aggregation Database (gnomAD). The elevated variant allele frequency in the general population indicates that this variant may not be disease-causing. However, additional studies are necessary to determine the role of this variant in disease conclusively. Therefore, this variant is classified as a Variant of Uncertain Significance.

Ambry Genetics
Classification: Uncertain significance for Familial thoracic aortic aneurysm and aortic dissection. Last evaluated: 2023-12-15. Review status: criteria provided, single submitter. Criteria: Ambry Variant Classification Scheme 2023. Collection method: clinical testing. Allele origin: germline.
Comment: The p.E1608K variant (also known as c.4822G>A), located in coding exon 33 of the MYH11 gene, results from a G to A substitution at nucleotide position 4822. The glutamic acid at codon 1608 is replaced by lysine, an amino acid with similar properties. This amino acid position is conserved. In addition, this alteration is predicted to be deleterious by in silico analysis. Since supporting evidence is limited at this time, the clinical significance of this alteration remains unclear.

Literature cited by the submitters: PubMed 34422331 (cited by Color Diagnostics, LLC DBA Color Health).